The following is an entry in ClinVar:

NM_001846.4(COL4A2):c.980A>G (p.Tyr327Cys)

Gene: COL4A2 (collagen type IV alpha 2 chain; plus strand). Cytogenetic location: 13q34.
Variant type: single nucleotide variant.
Coding change: c.980A>G on transcript NM_001846.4 (MANE Select); coding-DNA position 980, A replaced by G.
Protein change: p.Tyr327Cys; replaces tyrosine 327 with cysteine.
Molecular consequence: missense variant.
Genome position (GRCh38, 1-based): chr13:110,445,851, A>G. VCF-style: chr13-110445851-A-G. GRCh37 (hg19) VCF-style: chr13-111098198-A-G.
Other names: short protein forms Y327C.
Identifiers: ClinVar variation 1050545 (VCV001050545.1), dbSNP rs1881300877, ClinGen allele CA388733228.

ClinVar aggregate classification (germline): Uncertain significance (0 of 4 stars; one submission).

Allele frequency attached by ClinVar (database versions not stated): gnomAD exomes below 0.00001.
gnomAD v4.1: 1 of 1,614,240 alleles (0.000062%); highest among the groups gnomAD compares: Non-Finnish European, 0.000085%; no homozygotes.

Submission:

Department of Pathology and Laboratory Medicine, Sinai Health System
Classification: Uncertain significance. Review status: no assertion criteria provided. Collection method: clinical testing. Allele origin: unknown. Affected: yes. Study: The Canadian Open Genetics Repository (COGR).
Comment: The COL4A2 p.(Tyr327Cys) variant was not identified in the literature nor was it identified in the dbSNP, ClinVar, Cosmic, MutDB or LOVD 3.0 databases. The variant was not identified in the following control databases: the NHLBI GO Exome Sequencing Project, the Exome Aggregation Consortium (August 8th 2016), or the Genome Aggregation Database (Feb 27, 2017). The c.980>G variant is not predicted to affect splicing by in silico splicing prediction softwares (SplicSiteFinder-Like, MaxEntScan, GeneSplicer, NNSplice). The p.(Tyr327Cys) residue is not conserved in mammals and three out of five computational analyses (SIFT, AlignGVGD, MutationTaster) do not predict an impact to the protein. However, this information is not predictive enough to rule out pathogenicity. Variations in the COL4A2 gene are associated with Porencephaly 2 and increased susceptibility to intracerebral hemorrhage. In summary, based on the above information the clinical significance of this variant cannot be determined with certainty at this time. This variant is classified as a variant of uncertain significance.